The following is an entry in ClinVar:

NM_001040108.2(MLH3):c.890G>A (p.Arg297Gln)

Gene: MLH3 (mutL homolog 3; minus strand). Cytogenetic location: 14q24.3.
Variant type: single nucleotide variant.
Coding change: c.890G>A on transcript NM_001040108.2 (MANE Select); coding-DNA position 890, G replaced by A.
Protein change: p.Arg297Gln; replaces arginine 297 with glutamine.
Molecular consequence: missense variant.
Genome position (GRCh38, 1-based): chr14:75,048,766, C>T on the plus strand (G>A on the coding strand, the complement: MLH3 is on the minus strand). VCF-style: chr14-75048766-C-T. GRCh37 (hg19) VCF-style: chr14-75515469-C-T.
Other names: c.890G>A, p.Arg297Gln (NM_014381.3); short protein forms R297Q.
Identifiers: ClinVar variation 949205 (VCV000949205.13), dbSNP rs374212925, ClinGen allele CA7275949.
Genomic context (GRCh38, chr14:75,048,766, plus strand): 5'-TACTCACAGAATTGGCACTGCACATTAATTACATATATGCCATAGAGTTCTGGGGTAGAC[C>T]GGTGCCGAAGACTTGAATTCATTTGCCTACTGGTGGGACCATTCTTTGGCTTGCATATAA-3'
Protein context (NP_001035197.1, residues 287-307): SRQMNSSLRH[Arg297Gln]STPELYGIYV

ClinVar aggregate classification (germline): Uncertain significance. Review status: criteria provided, multiple submitters, no conflicts (2 of 4 stars). 2 submissions from 2 submitters: Uncertain significance (2). Last evaluated 2025-08-23.

Conditions:
Colorectal cancer, hereditary nonpolyposis, type 7. Identifiers: Orphanet 144, MedGen C1858380, MONDO:0013725, OMIM 614385.

Allele frequency attached by ClinVar (database versions not stated): TOPMed 0.00002; gnomAD exomes 0.00004; ExAC 0.00005; ESP Exome Variant Server 0.00008.
gnomAD v4.1: 16 of 1,614,074 alleles (0.00099%); highest among the groups gnomAD compares: South Asian, 0.0066%; no homozygotes.

Submissions (2):

Ambry Genetics
Classification: Uncertain significance. Last evaluated: 2025-08-23. Review status: criteria provided, single submitter. Criteria: Ambry Variant Classification Scheme 2023. Collection method: clinical testing. Allele origin: germline.

Labcorp Genetics (formerly Invitae), Labcorp
Classification: Uncertain significance for Colorectal cancer, hereditary nonpolyposis, type 7. Last evaluated: 2022-08-31. Review status: criteria provided, single submitter. Criteria: Invitae Variant Classification Sherloc (09022015). Collection method: clinical testing. Allele origin: germline.
Comment: This sequence change replaces arginine, which is basic and polar, with glutamine, which is neutral and polar, at codon 297 of the MLH3 protein (p.Arg297Gln). This variant is present in population databases (rs374212925, gnomAD 0.02%). In summary, the available evidence is currently insufficient to determine the role of this variant in disease. Therefore, it has been classified as a Variant of Uncertain Significance. Algorithms developed to predict the effect of missense changes on protein structure and function are either unavailable or do not agree on the potential impact of this missense change (SIFT: "Deleterious"; PolyPhen-2: "Probably Damaging"; Align-GVGD: "Class C0"). ClinVar contains an entry for this variant (Variation ID: 949205). This variant has not been reported in the literature in individuals affected with MLH3-related conditions.